The following is an entry in ClinVar:

NM_014714.4(IFT140):c.280G>A (p.Glu94Lys)

Genes: IFT140 (intraflagellar transport 140; minus strand), LOC105371046 (uncharacterized LOC105371046; plus strand). Cytogenetic location: 16p13.3.
Variant type: single nucleotide variant.
Coding change: c.280G>A on transcript NM_014714.4 (MANE Select); coding-DNA position 280, G replaced by A.
Protein change: p.Glu94Lys; replaces glutamic acid 94 with lysine.
Molecular consequence: missense variant.
Genome position (GRCh38, 1-based): chr16:1,602,459, C>T on the plus strand (G>A on the coding strand, the complement: IFT140 is on the minus strand). VCF-style: chr16-1602459-C-T. GRCh37 (hg19) VCF-style: chr16-1652460-C-T.
Other names: short protein forms E94K.
Identifiers: ClinVar variation 1525456 (VCV001525456.8), dbSNP rs768102481, ClinGen allele CA7814760.
Genomic context (GRCh38, chr16:1,602,459, plus strand): 5'-TGGGGCTCCAACGGAGCACGGTGATGTCGGCTGTGTGTGTCAGGGGCATCGTGTGCTGCT[C>T]CTTGTCCTGCTTGTTAAACACCGTCACTTCTCCAGTCTCCCAGCCCACAGCCAGCACCAG-3'
Protein context (NP_055529.2, residues 84-104): EVTVFNKQDK[Glu94Lys]QHTMPLTHTA

ClinVar aggregate classification (germline): Uncertain significance (1 of 4 stars; one submission).

Conditions:
Saldino-Mainzer syndrome (SRTD9). Also called: Renal dysplasia, retinal pigmentary dystrophy, cerebellar ataxia and skeletal dysplasia; CONORENAL SYNDROME; SHORT-RIB THORACIC DYSPLASIA 9 WITHOUT POLYDACTYLY; short-rib thoracic dysplasia 9 with or without polydactyly. Identifiers: Orphanet 140969, MedGen C1849437, MONDO:0009964, OMIM 266920.

Allele frequency attached by ClinVar (database versions not stated): gnomAD exomes below 0.00001 and 0.00001; ExAC 0.00002.
gnomAD v4.1: 1 of 1,614,236 alleles (0.000062%); highest among the groups gnomAD compares: Non-Finnish European, 0.000085%; no homozygotes.

Submission:

Labcorp Genetics (formerly Invitae), Labcorp
Classification: Uncertain significance for Saldino-Mainzer syndrome. Last evaluated: 2022-09-26. Review status: criteria provided, single submitter. Criteria: Invitae Variant Classification Sherloc (09022015). Collection method: clinical testing. Allele origin: germline.
Comment: Advanced modeling of protein sequence and biophysical properties (such as structural, functional, and spatial information, amino acid conservation, physicochemical variation, residue mobility, and thermodynamic stability) performed at Invitae indicates that this missense variant is not expected to disrupt IFT140 protein function. This sequence change replaces glutamic acid, which is acidic and polar, with lysine, which is basic and polar, at codon 94 of the IFT140 protein (p.Glu94Lys). This variant is present in population databases (rs768102481, gnomAD 0.002%). This variant has not been reported in the literature in individuals affected with IFT140-related conditions. ClinVar contains an entry for this variant (Variation ID: 1525456). In summary, the available evidence is currently insufficient to determine the role of this variant in disease. Therefore, it has been classified as a Variant of Uncertain Significance.